The following is an entry in ClinVar:

ClinVar aggregate classification (germline): Uncertain significance (1 of 4 stars; one submission).

gnomAD v4.1: 56 of 1,613,420 alleles (0.0035%); highest among the groups gnomAD compares: Non-Finnish European, 0.0045%; no homozygotes.

Submission:

GeneDx
Classification: Uncertain significance. Last evaluated: 2024-12-04. Review status: criteria provided, single submitter. Criteria: GeneDx Variant Classification Process June 2021. Collection method: clinical testing. Allele origin: germline. Affected: yes.
Comment: In silico analysis supports that this missense variant has a deleterious effect on protein structure/function; Has not been previously published as pathogenic or benign to our knowledge

NM_020821.3(VPS13C):c.10447G>T (p.Gly3483Cys)

Gene: VPS13C (vacuolar protein sorting 13 homolog C; minus strand). Cytogenetic location: 15q22.2.
Variant type: single nucleotide variant.
Coding change: c.10447G>T on transcript NM_020821.3 (MANE Select); coding-DNA position 10447, G replaced by T.
Protein change: p.Gly3483Cys; replaces glycine 3483 with cysteine.
Molecular consequence: missense variant.
Genome position (GRCh38, 1-based): chr15:61,873,377, C>A on the plus strand (G>T on the coding strand, the complement: VPS13C is on the minus strand). VCF-style: chr15-61873377-C-A. GRCh37 (hg19) VCF-style: chr15-62165576-C-A.
Other names: c.10447G>T, p.Gly3483Cys (NM_001018088.3); c.10318G>T, p.Gly3440Cys (NM_017684.5, NM_018080.4); short protein forms G3440C, G3483C.
Identifiers: ClinVar variation 3901315 (VCV003901315.1).